The following is an entry in ClinVar:

NM_033026.6(PCLO):c.3068C>G (p.Thr1023Arg)

Gene: PCLO (piccolo presynaptic cytomatrix protein; minus strand). Cytogenetic location: 7q21.11.
Variant type: single nucleotide variant.
Coding change: c.3068C>G on transcript NM_033026.6 (MANE Select); coding-DNA position 3068, C replaced by G.
Protein change: p.Thr1023Arg; replaces threonine 1023 with arginine.
Molecular consequence: missense variant.
Genome position (GRCh38, 1-based): chr7:83,134,482, G>C on the plus strand (C>G on the coding strand, the complement: PCLO is on the minus strand). VCF-style: chr7-83134482-G-C. GRCh37 (hg19) VCF-style: chr7-82763798-G-C.
Other names: c.3068C>G, p.Thr1023Arg (NM_014510.3); c.3068C>G (NM_033026.5); short protein forms T1023R.
Identifiers: ClinVar variation 1433703 (VCV001433703.4), dbSNP rs374504142, ClinGen allele CA4321153.

ClinVar aggregate classification (germline): Uncertain significance. Review status: criteria provided, multiple submitters, no conflicts (2 of 4 stars). 2 submissions from 2 submitters: Uncertain significance (2). Last evaluated 2024-12-10.

Conditions:
Inborn genetic diseases. Identifiers: MedGen C0950123, MeSH D030342.

Allele frequency attached by ClinVar (database versions not stated): ExAC 0.00002; ESP Exome Variant Server 0.00008; TOPMed 0.00014.
gnomAD v4.1: 26 of 1,613,094 alleles (0.0016%); highest among the groups gnomAD compares: African/African-American, 0.033%; no homozygotes.

Submissions (2):

Ambry Genetics
Classification: Uncertain significance for Inborn genetic diseases. Last evaluated: 2024-12-10. Review status: criteria provided, single submitter. Criteria: Ambry Variant Classification Scheme 2023. Collection method: clinical testing. Allele origin: germline.

Labcorp Genetics (formerly Invitae), Labcorp
Classification: Uncertain significance. Last evaluated: 2021-12-13. Review status: criteria provided, single submitter. Criteria: Invitae Variant Classification Sherloc (09022015). Collection method: clinical testing. Allele origin: germline.
Comment: This sequence change replaces threonine, which is neutral and polar, with arginine, which is basic and polar, at codon 1023 of the PCLO protein (p.Thr1023Arg). This variant is present in population databases (rs374504142, gnomAD 0.03%). This variant has not been reported in the literature in individuals affected with PCLO-related conditions. Algorithms developed to predict the effect of missense changes on protein structure and function are either unavailable or do not agree on the potential impact of this missense change (SIFT: "Tolerated"; PolyPhen-2: "Not Available"; Align-GVGD: "Class C0"). In summary, the available evidence is currently insufficient to determine the role of this variant in disease. Therefore, it has been classified as a Variant of Uncertain Significance.